The following is an entry in ClinVar:

ClinVar aggregate classification (germline): Likely benign. Review status: criteria provided, single submitter (1 of 4 stars). 2 submissions from 2 submitters: Likely benign (1). 1 of the submissions does not count toward it. Last evaluated 2021-12-15.

Conditions:
ISCA2-related disorder. Also called: ISCA2-related condition.

Allele frequency attached by ClinVar (database versions not stated): gnomAD exomes 0.00002 and 0.00005; ExAC 0.00007.

Submissions (2):

Labcorp Genetics (formerly Invitae), Labcorp
Classification: Likely benign. Last evaluated: 2021-12-15. Review status: criteria provided, single submitter. Criteria: Invitae Variant Classification Sherloc (09022015). Collection method: clinical testing. Allele origin: germline.

PreventionGenetics, part of Exact Sciences
Classification: Likely benign for ISCA2-related condition. Last evaluated: 2022-02-04. Review status: no assertion criteria provided. Collection method: clinical testing. Allele origin: germline. Not counted in ClinVar's aggregate classification.
Comment: This variant is classified as likely benign based on ACMG/AMP sequence variant interpretation guidelines (Richards et al. 2015 PMID: 25741868, with internal and published modifications).

NM_194279.4(ISCA2):c.153C>T (p.Arg51=)

Gene: ISCA2 (iron-sulfur cluster assembly 2; plus strand). Cytogenetic location: 14q24.3.
Variant type: single nucleotide variant.
Coding change: c.153C>T on transcript NM_194279.4 (MANE Select); coding-DNA position 153, C replaced by T.
Protein change: p.Arg51=; no amino-acid change (arginine 51 retained).
Molecular consequence: synonymous variant.
Genome position (GRCh38, 1-based): chr14:74,494,131, C>T. VCF-style: chr14-74494131-C-T. GRCh37 (hg19) VCF-style: chr14-74960834-C-T.
Other names: c.153C>T (NM_194279.3); c.153C>T, p.Arg51= (NM_001272007.2).
Identifiers: ClinVar variation 1560167 (VCV001560167.10), dbSNP rs773465061, ClinGen allele CA7268272.